The following is an entry in ClinVar:

NM_020779.4(WDR35):c.2590G>A (p.Ala864Thr)

Gene: WDR35 (WD repeat domain 35; minus strand). Cytogenetic location: 2p24.1.
Variant type: single nucleotide variant.
Coding change: c.2590G>A on transcript NM_020779.4 (MANE Select); coding-DNA position 2590, G replaced by A.
Protein change: p.Ala864Thr; replaces alanine 864 with threonine.
Molecular consequence: missense variant.
Genome position (GRCh38, 1-based): chr2:19,933,469, C>T on the plus strand (G>A on the coding strand, the complement: WDR35 is on the minus strand). VCF-style: chr2-19933469-C-T. GRCh37 (hg19) VCF-style: chr2-20133230-C-T.
Other names: c.2623G>A, p.Ala875Thr (NM_001006657.2); short protein forms A875T, A864T.
Identifiers: ClinVar variation 23 (VCV000000023.10), dbSNP rs267607175, ClinGen allele CA339782.
Genomic context (GRCh38, chr2:19,933,469, plus strand): 5'-GATGTACGCAGGTATCTACTGCTGCCTTTGGTTGACTACATTTCAAAAATGCAGTCACTG[C>T]TTGTTCACACATTCCAACTCTGACAAACATTTGTGCTATTTCCTGTACAAACAAAACAAT-3'
Protein context (NP_065830.2, residues 854-874): MFVRVGMCEQ[Ala864Thr]VTAFLKCSQP

ClinVar aggregate classification (germline): Likely pathogenic. Review status: criteria provided, single submitter (1 of 4 stars). 2 submissions from 2 submitters: Likely pathogenic (1). 1 of the submissions does not count toward it. Last evaluated 2017-05-25.

Conditions:
Cranioectodermal dysplasia 2 (CED2). Identifiers: Orphanet 1515, MedGen C3150874, MONDO:0013323, OMIM 613610.

Allele frequency attached by ClinVar (database versions not stated): gnomAD exomes below 0.00001 and 0.00001; TOPMed below 0.00001; ExAC 0.00001; gnomAD 0.00001.
gnomAD v4.1: 17 of 1,613,798 alleles (0.0011%); highest among the groups gnomAD compares: Non-Finnish European, 0.0014%; no homozygotes.

Submissions (2):

ARUP Laboratories, Molecular Genetics and Genomics, ARUP Laboratories
Classification: Likely pathogenic. Last evaluated: 2017-05-25. Review status: criteria provided, single submitter. Criteria: ARUP Molecular Germline Variant Investigation Process. Collection method: clinical testing. Allele origin: germline.
Comment: The p.Ala875Thr variant was previously reported in trans with another WDR35 variant, c.2891del; p.Pro964fs, identified by whole exome analysis in a child with Sensenbrenner syndrome also known as cranioectodermal dysplasia (Gilissen 2010). Additionally, functional in vitro study showed that p.Ala875Thr variant impaired IFT-A-mediated cargo transport to cilia (Fu 2016). The p.Ala875Thr variant (rs267607175) is not listed in gene-specific variant databases, nor has it been previously identified in our laboratory. It is listed in ClinVar (Variation ID 23) and it is listed in the Genome Aggregation Consortium (gnomAD) browser with an overall allele frequency of 0.0004 percent (identified on 1 European chromosome out of all 246,026 analyzed chromosomes). Alanine 875 is highly conserved considering 11 species (Alamut software v2.9.0) but computational programs predict mixed effect of this variant on the protein (SIFT: tolerated, PolyPhen-2: probably damaging and MutationTaster: disease causing).

OMIM
Classification: Pathogenic for CRANIOECTODERMAL DYSPLASIA 2. Last evaluated: 2010-09-10. Review status: no assertion criteria provided. Collection method: literature only. Allele origin: germline. Not counted in ClinVar's aggregate classification.

Literature cited by the submitters: PubMed 20817137 (cited by OMIM).